The following is an entry in ClinVar:

ClinVar aggregate classification (germline): Uncertain significance (1 of 4 stars; one submission).

Conditions:
DYRK1A-related intellectual disability syndrome (MRD7). Also called: DYRK1A Syndrome; Intellectual developmental disorder, autosomal dominant 7. Identifiers: Orphanet 464306, MedGen C5568143, MONDO:0013578, OMIM 614104.

Submission:

Labcorp Genetics (formerly Invitae), Labcorp
Classification: Uncertain significance for DYRK1A-related intellectual disability syndrome. Last evaluated: 2025-07-30. Review status: criteria provided, single submitter. Criteria: Invitae Variant Classification Sherloc (09022015). Collection method: clinical testing. Allele origin: germline.
Comment: This sequence change replaces cysteine, which is neutral and slightly polar, with serine, which is neutral and polar, at codon 551 of the DYRK1A protein (p.Cys551Ser). Information on the frequency of this variant in the gnomAD database is not available, as this variant may be reported differently in the database. This variant has not been reported in the literature in individuals affected with DYRK1A-related conditions. An algorithm developed to predict the effect of missense changes on protein structure and function (PolyPhen-2) suggests that this variant is likely to be tolerated. In summary, the available evidence is currently insufficient to determine the role of this variant in disease. Therefore, it has been classified as a Variant of Uncertain Significance.

NM_001347721.2(DYRK1A):c.1625_1626delinsCT (p.Cys542Ser)

Gene: DYRK1A (dual specificity tyrosine phosphorylation regulated kinase 1A; plus strand). Cytogenetic location: 21q22.13.
Variant type: Indel.
Coding change: c.1625_1626delinsCT on transcript NM_001347721.2 (MANE Select); coding-DNA positions 1625 to 1626, GC replaced by CT.
Protein change: p.Cys542Ser; replaces cysteine 542 with serine.
Molecular consequence: missense variant. On other transcripts: intron variant (1).
Genome position (GRCh38, 1-based): chr21:37,506,204-37,506,205, GC replaced by CT. VCF-style: chr21-37506204-GC-CT. GRCh37 (hg19) VCF-style: chr21-38878507-GC-CT.
Other names: c.1625_1626delinsCT, p.Cys542Ser (NM_001347722.2, NM_130436.2); c.1538_1539delinsCT, p.Cys513Ser (NM_001347723.2); c.1652_1653delinsCT, p.Cys551Ser (NM_001396.5, NM_101395.2); c.1546+615_1546+616delinsCT (NM_130438.2); short protein forms C513S, C542S, C551S.
Identifiers: ClinVar variation 4724335 (VCV004724335.1).